The following is an entry in ClinVar:

NM_000257.4(MYH7):c.2260A>G (p.Asn754Asp)

Gene: MYH7 (myosin heavy chain 7; minus strand). Cytogenetic location: 14q11.2.
Variant type: single nucleotide variant.
Coding change: c.2260A>G on transcript NM_000257.4 (MANE Select); coding-DNA position 2260, A replaced by G.
Protein change: p.Asn754Asp; replaces asparagine 754 with aspartic acid.
Molecular consequence: missense variant.
Genome position (GRCh38, 1-based): chr14:23,425,721, T>C on the plus strand (A>G on the coding strand, the complement: MYH7 is on the minus strand). VCF-style: chr14-23425721-T-C. GRCh37 (hg19) VCF-style: chr14-23894930-T-C.
Other names: c.2260A>G, p.Asn754Asp (NM_001407004.1); short protein forms N754D.
Identifiers: ClinVar variation 2563041 (VCV002563041.5), dbSNP rs1222933849, ClinGen allele CA389048802.

ClinVar aggregate classification (germline): Uncertain significance. Review status: criteria provided, multiple submitters, no conflicts (2 of 4 stars). 2 submissions from 2 submitters: Uncertain significance (2). Last evaluated 2025-01-11.

Conditions:
Hypertrophic cardiomyopathy. Also called: HYPERTROPHIC MYOCARDIOPATHY. Identifiers: Orphanet 217569, MedGen C0007194, MeSH D002312, MONDO:0005045, HP:0001639.
Cardiovascular phenotype. Identifiers: MedGen CN230736.

Allele frequency attached by ClinVar (database versions not stated): TOPMed below 0.00001.

Submissions (2):

Labcorp Genetics (formerly Invitae), Labcorp
Classification: Uncertain significance for Hypertrophic cardiomyopathy. Last evaluated: 2025-01-11. Review status: criteria provided, single submitter. Criteria: Invitae Variant Classification Sherloc (09022015). Collection method: clinical testing. Allele origin: germline.
Comment: This sequence change replaces asparagine, which is neutral and polar, with aspartic acid, which is acidic and polar, at codon 754 of the MYH7 protein (p.Asn754Asp). This variant is not present in population databases (gnomAD no frequency). This variant has not been reported in the literature in individuals affected with MYH7-related conditions. ClinVar contains an entry for this variant (Variation ID: 2563041). Invitae Evidence Modeling of protein sequence and biophysical properties (such as structural, functional, and spatial information, amino acid conservation, physicochemical variation, residue mobility, and thermodynamic stability) has been performed for this missense variant. However, the output from this modeling did not meet the statistical confidence thresholds required to predict the impact of this variant on MYH7 protein function. In summary, the available evidence is currently insufficient to determine the role of this variant in disease. Therefore, it has been classified as a Variant of Uncertain Significance.

Ambry Genetics
Classification: Uncertain significance for Cardiovascular phenotype. Last evaluated: 2023-03-24. Review status: criteria provided, single submitter. Criteria: Ambry Variant Classification Scheme 2023. Collection method: clinical testing. Allele origin: germline.
Comment: The p.N754D variant (also known as c.2260A>G), located in coding exon 18 of the MYH7 gene, results from an A to G substitution at nucleotide position 2260. The asparagine at codon 754 is replaced by aspartic acid, an amino acid with highly similar properties. This alteration is located in the myosin head domain, which contains a statistically significant clustering of pathogenic missense variants (Homburger JR et al. Proc Natl Acad Sci U S A, 2016 06;113:6701-6; Walsh R et al. Genet Med, 2017 02;19:192-203; Ambry internal data). This amino acid position is not well conserved in available vertebrate species. In addition, this alteration is predicted to be tolerated by in silico analysis. Since supporting evidence is limited at this time, the clinical significance of this alteration remains unclear.